The following is an entry in ClinVar:

NM_018139.3(DNAAF2):c.573G>T (p.Lys191Asn)

Gene: DNAAF2 (dynein axonemal assembly factor 2; minus strand). Cytogenetic location: 14q21.3.
Variant type: single nucleotide variant.
Coding change: c.573G>T on transcript NM_018139.3 (MANE Select); coding-DNA position 573, G replaced by T.
Protein change: p.Lys191Asn; replaces lysine 191 with asparagine.
Molecular consequence: missense variant.
Genome position (GRCh38, 1-based): chr14:49,634,577, C>A on the plus strand (G>T on the coding strand, the complement: DNAAF2 is on the minus strand). VCF-style: chr14-49634577-C-A. GRCh37 (hg19) VCF-style: chr14-50101295-C-A.
Other names: c.573G>T, p.Lys191Asn (NM_001083908.2); short protein forms K191N.
Identifiers: ClinVar variation 1749378 (VCV001749378.4), dbSNP rs1027490539, ClinGen allele CA260669343.

ClinVar aggregate classification (germline): Uncertain significance. Review status: criteria provided, multiple submitters, no conflicts (2 of 4 stars). 2 submissions from 2 submitters: Uncertain significance (2). Last evaluated 2023-04-07.

Conditions:
Primary ciliary dyskinesia. Also called: Ciliary dyskinesia. Identifiers: Orphanet 244, MedGen C0008780, MONDO:0016575, HP:0012265.

Allele frequency attached by ClinVar (database versions not stated): gnomAD 0.00001; gnomAD exomes 0.00001; TOPMed 0.00002.
gnomAD v4.1: 13 of 1,605,536 alleles (0.00081%); highest among the groups gnomAD compares: African/African-American, 0.017%; no homozygotes.

Submissions (2):

Ambry Genetics
Classification: Uncertain significance for Primary ciliary dyskinesia. Last evaluated: 2023-04-07. Review status: criteria provided, single submitter. Criteria: Ambry Variant Classification Scheme 2023. Collection method: clinical testing. Allele origin: germline.

Labcorp Genetics (formerly Invitae), Labcorp
Classification: Uncertain significance for Primary ciliary dyskinesia. Last evaluated: 2022-03-16. Review status: criteria provided, single submitter. Criteria: Invitae Variant Classification Sherloc (09022015). Collection method: clinical testing. Allele origin: germline.
Comment: This sequence change replaces lysine, which is basic and polar, with asparagine, which is neutral and polar, at codon 191 of the DNAAF2 protein (p.Lys191Asn). This variant is present in population databases (no rsID available, gnomAD 0.01%). This variant has not been reported in the literature in individuals affected with DNAAF2-related conditions. Algorithms developed to predict the effect of missense changes on protein structure and function are either unavailable or do not agree on the potential impact of this missense change (SIFT: "Tolerated"; PolyPhen-2: "Probably Damaging"; Align-GVGD: "Class C0"). In summary, the available evidence is currently insufficient to determine the role of this variant in disease. Therefore, it has been classified as a Variant of Uncertain Significance.